The following is an entry in ClinVar:

ClinVar aggregate classification (germline): Benign/Likely benign. Review status: criteria provided, multiple submitters, no conflicts (2 of 4 stars). 12 submissions from 12 submitters: Benign (7); Likely benign (3). 2 of the submissions do not count toward it. Last evaluated 2026-02-04.

Conditions:
Rhizomelic chondrodysplasia punctata (RCDP). Identifiers: Orphanet 177, MedGen C0282529, MONDO:0015776. Disease mechanism: loss of function.
Rhizomelic chondrodysplasia punctata type 3 (RCDP3). Also called: Alkylglycerone Phosphate Synthase (AGPS) deficiency; ALKYLDIHYDROXYACETONEPHOSPHATE SYNTHASE DEFICIENCY. Identifiers: Orphanet 177, Orphanet 309803, MedGen C1838612, MONDO:0010823, OMIM 600121. Disease mechanism: loss of function.

Allele frequency attached by ClinVar (database versions not stated): 1000 Genomes Project 30x 0.00344; 1000 Genomes Project 0.00359; ESP Exome Variant Server 0.00386; ExAC 0.00393; TOPMed 0.00779; gnomAD exomes 0.00974 and 0.01374; gnomAD 0.00997 and 0.01033.
gnomAD v4.1: 20,440 of 1,550,112 alleles (1.3%); highest among the groups gnomAD compares: Non-Finnish European, 1.5%; 179 homozygotes.

Submissions (12):

Labcorp Genetics (formerly Invitae), Labcorp
Classification: Benign. Last evaluated: 2026-02-04. Review status: criteria provided, single submitter. Criteria: Invitae Variant Classification Sherloc (09022015). Collection method: clinical testing. Allele origin: germline.

ARUP Laboratories, Molecular Genetics and Genomics, ARUP Laboratories
Classification: Benign for Rhizomelic chondrodysplasia punctata type 3. Last evaluated: 2025-02-18. Review status: criteria provided, single submitter. Criteria: ARUP Molecular Germline Variant Investigation Process 2024. Collection method: clinical testing. Allele origin: germline.

Blueprint Genetics
Classification: Likely benign. Last evaluated: 2024-11-25. Review status: criteria provided, single submitter. Criteria: ACMG Guidelines, 2015. Collection method: clinical testing. Allele origin: germline.

Pars Genome Lab
Classification: Benign for Rhizomelic chondrodysplasia punctata type 3. Last evaluated: 2021-05-18. Review status: criteria provided, single submitter. Criteria: ACMG Guidelines, 2015. Collection method: clinical testing. Allele origin: germline. Affected: no.

Illumina Laboratory Services, Illumina
Classification: Likely benign for Rhizomelic chondrodysplasia punctata type 3. Last evaluated: 2018-01-12. Review status: criteria provided, single submitter. Criteria: ICSL Variant Classification Criteria 13 December 2019. Collection method: clinical testing. Allele origin: germline.
Comment: This variant was observed in the ICSL laboratory as part of a predisposition screen in an ostensibly healthy population. It had not been previously curated by ICSL or reported in the Human Gene Mutation Database (HGMD: prior to June 1st, 2018), and was therefore a candidate for classification through an automated scoring system. Utilizing variant allele frequency, disease prevalence and penetrance estimates, and inheritance mode, an automated score was calculated to assess if this variant is too frequent to cause the disease. Based on the score and internal cut-off values, a variant classified as likely benign is not then subjected to further curation. The score for this variant resulted in a classification of likely benign for this disease.

GeneDx
Classification: Benign. Last evaluated: 2016-12-05. Review status: criteria provided, single submitter. Criteria: GeneDx Variant Classification (06012015). Collection method: clinical testing. Allele origin: germline. Affected: yes.
Comment: This variant is considered likely benign or benign based on one or more of the following criteria: it is a conservative change, it occurs at a poorly conserved position in the protein, it is predicted to be benign by multiple in silico algorithms, and/or has population frequency not consistent with disease.

Eurofins Ntd Llc (ga)
Classification: Benign. Last evaluated: 2015-12-14. Review status: criteria provided, single submitter. Criteria: EGL Classification Definitions 2015. Collection method: clinical testing. Allele origin: germline. Observed: 1 variant allele, 1 heterozygote.

Genetic Services Laboratory, University of Chicago
Classification: Benign. Last evaluated: 2013-08-28. Review status: criteria provided, single submitter. Criteria: ACMG Guidelines, 2007. Collection method: clinical testing. Allele origin: germline. Inheritance: Autosomal recessive inheritance.

Breakthrough Genomics
Classification: Likely benign. Review status: criteria provided, single submitter. Criteria: ACMG Guidelines, 2015. Collection method: not provided. Allele origin: germline. Inheritance: Autosomal recessive inheritance. Affected: yes.

PreventionGenetics, part of Exact Sciences
Classification: Benign. Review status: criteria provided, single submitter. Criteria: ACMG Guidelines, 2015. Collection method: clinical testing. Allele origin: germline.

Natera, Inc.
Classification: Benign for Rhizomelic chondrodysplasia punctata. Last evaluated: 2019-11-22. Review status: no assertion criteria provided. Collection method: clinical testing. Allele origin: germline. Not counted in ClinVar's aggregate classification.

Mayo Clinic Laboratories, Mayo Clinic
Classification: Benign. Last evaluated: 2017-07-12. Review status: no assertion criteria provided. Collection method: clinical testing. Allele origin: unknown. Not counted in ClinVar's aggregate classification.

NM_003659.4(AGPS):c.147C>T (p.Pro49=)

Genes: AGPS (alkylglycerone phosphate synthase; plus strand), LOC129935172 (ATAC-STARR-seq lymphoblastoid silent region 12147; plus strand). Cytogenetic location: 2q31.2.
Variant type: single nucleotide variant.
Coding change: c.147C>T on transcript NM_003659.4 (MANE Select); coding-DNA position 147, C replaced by T.
Protein change: p.Pro49=; no amino-acid change (proline 49 retained).
Molecular consequence: synonymous variant.
Genome position (GRCh38, 1-based): chr2:177,392,936, C>T. VCF-style: chr2-177392936-C-T. GRCh37 (hg19) VCF-style: chr2-178257664-C-T.
Identifiers: ClinVar variation 157711 (VCV000157711.36), dbSNP rs34442536, ClinGen allele CA171096.